The following is an entry in ClinVar:

NM_000070.3(CAPN3):c.2416_2417dup (p.Ile807fs)

Gene: CAPN3 (calpain 3; plus strand). Cytogenetic location: 15q15.1.
Variant type: Duplication.
Coding change: c.2416_2417dup on transcript NM_000070.3 (MANE Select); coding-DNA positions 2416 to 2417, 2 bases duplicated (AT; older notation c.2416_2417dupAT).
Protein change: p.Ile807fs; shifts the reading frame from isoleucine 807.
Molecular consequence: frameshift variant.
Genome position (GRCh38, 1-based): chr15:42,411,322-42,411,323, AT duplicated; duplicating any 2 consecutive bases within chr15:42,411,321-42,411,323 gives the same sequence; the c. name uses the placement nearest the transcript's 3' end. VCF-style (leftmost placement, unchanged base first): chr15-42411320-G-GTA. GRCh37 (hg19) VCF-style: chr15-42703518-G-GTA.
Other names: c.2416_2417dupAT (NM_000070.2); c.2398_2399dup, p.Ile801fs (NM_024344.2); c.2140_2141dup, p.Ile715fs (NM_173087.2); c.880_881dup, p.Ile295fs (NM_173088.2); c.421_422dup, p.Ile142fs (NM_173089.2, NM_173090.2); short protein forms I142fs, I295fs, I801fs, I715fs, I807fs.
Identifiers: ClinVar variation 429326 (VCV000429326.11), dbSNP rs1131691320, ClinGen allele CA645369634.

ClinVar aggregate classification (germline): Conflicting classifications of pathogenicity. Review status: criteria provided, conflicting classifications (1 of 4 stars). 2 submissions from 2 submitters: Likely pathogenic (1); Uncertain significance (1). Last evaluated 2025-02-13.

Conditions:
Autosomal recessive limb-girdle muscular dystrophy type 2A (LGMDR1). Also called: Calpainopathy; LEYDEN-MOEBIUS MUSCULAR DYSTROPHY; MUSCULAR DYSTROPHY, PELVOFEMORAL; Muscular dystrophy, limb-girdle, type 2A, Amish; Limb-girdle muscular dystrophy, type 2A. Identifiers: Orphanet 267, MedGen C1869123, MONDO:0009675, OMIM 253600. Disease mechanism: loss of function.

Submissions (2):

GeneDx
Classification: Likely pathogenic. Last evaluated: 2025-02-13. Review status: criteria provided, single submitter. Criteria: GeneDx Variant Classification Process June 2021. Collection method: clinical testing. Allele origin: germline. Affected: yes.
Comment: Frameshift variant predicted to result in abnormal protein length as the last 15 amino acids are replaced with 76 different amino acids, and other similar variants have been reported; Not observed at significant frequency in large population cohorts (gnomAD); Has not been previously published as pathogenic or benign to our knowledge; This variant is associated with the following publications: (PMID: 17994539)

Labcorp Genetics (formerly Invitae), Labcorp
Classification: Uncertain significance for Autosomal recessive limb-girdle muscular dystrophy type 2A. Last evaluated: 2022-07-19. Review status: criteria provided, single submitter. Criteria: Invitae Variant Classification Sherloc (09022015). Collection method: clinical testing. Allele origin: germline.
Comment: This variant is not present in population databases (gnomAD no frequency). In summary, the available evidence is currently insufficient to determine the role of this variant in disease. Therefore, it has been classified as a Variant of Uncertain Significance. This variant disrupts the C-terminus of the CAPN3 protein. Other variant(s) that disrupt this region (p.Trp814*) have been observed in individuals with CAPN3-related conditions (PMID: 17994539). This suggests that this may be a clinically significant region of the protein. ClinVar contains an entry for this variant (Variation ID: 429326). This variant has not been reported in the literature in individuals affected with CAPN3-related conditions. This sequence change creates a premature translational stop signal (p.Ile807Serfs*77) in the CAPN3 gene. While this is not anticipated to result in nonsense mediated decay, it is expected to disrupt the last 15 amino acid(s) of the CAPN3 protein.

Literature cited by the submitters: PubMed 17994539 (cited by Labcorp Genetics (formerly Invitae), Labcorp).